The following is an entry in ClinVar:

ClinVar aggregate classification (germline): Uncertain significance. Review status: criteria provided, multiple submitters, no conflicts (2 of 4 stars). 3 submissions from 3 submitters: Uncertain significance (3). Last evaluated 2023-02-14.

Conditions:
CFAP418-related disorder. Also called: CFAP418-related condition.
Cone-rod dystrophy 16 (CORD16). Identifiers: MedGen C3281045, MONDO:0013786, OMIM 614500.
Retinitis pigmentosa (RP). Identifiers: Orphanet 791, MedGen C0035334, MeSH D012174, MONDO:0019200, OMIM 268000. Inheritance: Autosomal dominant, autosomal recessive and X linked inheritance.
Bardet-biedl syndrome 21. Identifiers: MedGen C4319932, MONDO:0044308, OMIM 617406.

Allele frequency attached by ClinVar (database versions not stated): gnomAD exomes below 0.00001; gnomAD 0.00001; TOPMed 0.00002.

Submissions (3):

PreventionGenetics, part of Exact Sciences
Classification: Uncertain significance for CFAP418-related condition. Last evaluated: 2023-02-14. Review status: criteria provided, single submitter. Criteria: ACMG Guidelines, 2015. Collection method: clinical testing. Allele origin: germline.
Comment: The CFAP418 c.134C>G variant is predicted to result in the amino acid substitution p.Ala45Gly. To our knowledge, this variant has not been reported in the literature or in a large population database, indicating this variant is rare. At this time, the clinical significance of this variant is uncertain due to the absence of conclusive functional and genetic evidence.

Labcorp Genetics (formerly Invitae), Labcorp
Classification: Uncertain significance. Last evaluated: 2022-08-22. Review status: criteria provided, single submitter. Criteria: Invitae Variant Classification Sherloc (09022015). Collection method: clinical testing. Allele origin: germline.
Comment: This sequence change replaces alanine, which is neutral and non-polar, with glycine, which is neutral and non-polar, at codon 45 of the C8orf37 protein (p.Ala45Gly). This variant is not present in population databases (gnomAD no frequency). This variant has not been reported in the literature in individuals affected with C8orf37-related conditions. ClinVar contains an entry for this variant (Variation ID: 953986). Algorithms developed to predict the effect of missense changes on protein structure and function (SIFT, PolyPhen-2, Align-GVGD) all suggest that this variant is likely to be tolerated. Algorithms developed to predict the effect of sequence changes on RNA splicing suggest that this variant may disrupt the consensus splice site. In summary, the available evidence is currently insufficient to determine the role of this variant in disease. Therefore, it has been classified as a Variant of Uncertain Significance.

Fulgent Genetics
Classification: Uncertain significance for Retinitis pigmentosa; Cone-rod dystrophy 16; Bardet-biedl syndrome 21. Last evaluated: 2022-04-19. Review status: criteria provided, single submitter. Criteria: ACMG Guidelines, 2015. Collection method: clinical testing. Allele origin: unknown.

NM_177965.4(CFAP418):c.134C>G (p.Ala45Gly)

Genes: CFAP418 (cilia and flagella associated protein 418; minus strand), CFAP418-AS1 (CFAP418 antisense RNA 1; plus strand), LOC130000784 (ATAC-STARR-seq lymphoblastoid active region 27655; plus strand). Cytogenetic location: 8q22.1.
Variant type: single nucleotide variant.
Coding change: c.134C>G on transcript NM_177965.4 (MANE Select); coding-DNA position 134, C replaced by G.
Protein change: p.Ala45Gly; replaces alanine 45 with glycine.
Molecular consequence: missense variant.
Genome position (GRCh38, 1-based): chr8:95,269,056, G>C on the plus strand (C>G on the coding strand, the complement: CFAP418 is on the minus strand). VCF-style: chr8-95269056-G-C. GRCh37 (hg19) VCF-style: chr8-96281284-G-C.
Other names: c.134C>G, p.Ala45Gly (NM_001363260.1); short protein forms A45G.
Identifiers: ClinVar variation 953986 (VCV000953986.11), dbSNP rs1197547920, ClinGen allele CA371837773.